The following is an entry in ClinVar:

NC_000006.12:g.46080098T>G

Gene: CLIC5 (CLIC family member 5; minus strand). Cytogenetic location: 6p21.1.
Variant type: single nucleotide variant.
Molecular consequence: missense variant (on NM_001114086.2). On other transcripts: intron variant (1).
Genome position: GRCh38 VCF-style: chr6-46080098-T-G. GRCh37 (hg19) VCF-style: chr6-46047835-T-G.
Other names: c.145A>C, p.Thr49Pro (NM_001114086.2, NM_001370650.1); c.-55+49406A>C (NM_001370649.1); short protein forms T49P.
Identifiers: ClinVar variation 2124429 (VCV002124429.4), dbSNP rs768731721, ClinGen allele CA3836995.

ClinVar aggregate classification (germline): Uncertain significance (1 of 4 stars; one submission).

Allele frequency attached by ClinVar (database versions not stated): TOPMed 0.00001; ExAC 0.00005; gnomAD 0.00001; gnomAD exomes 0.00001.
gnomAD v4.1: 4 of 1,551,626 alleles (0.00026%); highest among the groups gnomAD compares: Non-Finnish European, 0.00035%; no homozygotes.

Submission:

Labcorp Genetics (formerly Invitae), Labcorp
Classification: Uncertain significance. Last evaluated: 2022-04-10. Review status: criteria provided, single submitter. Criteria: Invitae Variant Classification Sherloc (09022015). Collection method: clinical testing. Allele origin: germline.
Comment: Algorithms developed to predict the effect of missense changes on protein structure and function (SIFT, PolyPhen-2, Align-GVGD) all suggest that this variant is likely to be tolerated. This variant has not been reported in the literature in individuals affected with CLIC5-related conditions. In summary, the available evidence is currently insufficient to determine the role of this variant in disease. Therefore, it has been classified as a Variant of Uncertain Significance. This sequence change replaces threonine, which is neutral and polar, with proline, which is neutral and non-polar, at codon 49 of the CLIC5 protein (p.Thr49Pro). This variant is present in population databases (rs768731721, gnomAD 0.003%).